The following is an entry in ClinVar:

NM_007375.4(TARDBP):c.911G>A (p.Gly304Asp)

Gene: TARDBP (TAR DNA binding protein; plus strand). Cytogenetic location: 1p36.22.
Variant type: single nucleotide variant.
Coding change: c.911G>A on transcript NM_007375.4 (MANE Select); coding-DNA position 911, G replaced by A.
Protein change: p.Gly304Asp; replaces glycine 304 with aspartic acid.
Molecular consequence: missense variant.
Genome position (GRCh38, 1-based): chr1:11,022,320, G>A. VCF-style: chr1-11022320-G-A. GRCh37 (hg19) VCF-style: chr1-11082377-G-A.
Other names: short protein forms G304D.
Identifiers: ClinVar variation 1765874 (VCV001765874.2), dbSNP rs2521341169, ClinGen allele CA338364823.

ClinVar aggregate classification (germline): Uncertain significance (1 of 4 stars; one submission).

Conditions:
Inborn genetic diseases. Identifiers: MedGen C0950123, MeSH D030342.

Allele frequency attached by ClinVar (database versions not stated): gnomAD exomes below 0.00001.
gnomAD v4.1: 1 of 1,613,956 alleles (0.000062%); highest among the groups gnomAD compares: Non-Finnish European, 0.000085%; no homozygotes.

Submission:

Ambry Genetics
Classification: Uncertain significance for Inborn genetic diseases. Last evaluated: 2021-07-21. Review status: criteria provided, single submitter. Criteria: Ambry Variant Classification Scheme 2023. Collection method: clinical testing. Allele origin: germline.
Comment: The p.G304D variant (also known as c.911G>A), located in coding exon 5 of the TARDBP gene, results from a G to A substitution at nucleotide position 911. The glycine at codon 304 is replaced by aspartic acid, an amino acid with similar properties. This amino acid position is conserved. In addition, this alteration is predicted to be deleterious by in silico analysis. Since supporting evidence is limited at this time, the clinical significance of this alteration remains unclear.